The following is an entry in ClinVar:

NM_012213.3(MLYCD):c.493C>T (p.Gln165Ter)

Genes: MLYCD (malonyl-CoA decarboxylase; plus strand), LOC130059555 (ATAC-STARR-seq lymphoblastoid silent region 7770; plus strand). Cytogenetic location: 16q23.3.
Variant type: single nucleotide variant.
Coding change: c.493C>T on transcript NM_012213.3 (MANE Select); coding-DNA position 493, C replaced by T.
Protein change: p.Gln165Ter; replaces glutamine 165 with a stop codon.
Molecular consequence: nonsense.
Genome position (GRCh38, 1-based): chr16:83,899,637, C>T. VCF-style: chr16-83899637-C-T. GRCh37 (hg19) VCF-style: chr16-83933242-C-T.
Other names: short protein forms Q165*.
Identifiers: ClinVar variation 3017380 (VCV003017380.5), dbSNP rs768903353, ClinGen allele CA285421707.

ClinVar aggregate classification (germline): Pathogenic. Review status: criteria provided, multiple submitters, no conflicts (2 of 4 stars). 2 submissions from 2 submitters: Pathogenic (2). Last evaluated 2025-03-28.

Conditions:
Deficiency of malonyl-CoA decarboxylase. Also called: Malonic aciduria; MCD deficiency. Identifiers: Orphanet 943, MedGen C0342793, MONDO:0009556, OMIM 248360.

Submissions (2):

3billion
Classification: Pathogenic for Deficiency of malonyl-CoA decarboxylase. Last evaluated: 2025-03-28. Review status: criteria provided, single submitter. Criteria: ACMG Guidelines, 2015. Collection method: clinical testing. Allele origin: germline. Affected: yes.
Comment: The variant is observed at an extremely low frequency in the gnomAD v4.1.0 dataset (total allele frequency: <0.001%). Predicted Consequence/Location: Stop-gained (nonsense): predicted to result in a loss or disruption of normal protein function through nonsense-mediated decay (NMD) or protein truncation. Multiple pathogenic variants are reported downstream of the variant. The variant was homozygous. The variant has been reported to be associated with MLYCD-related disorder (ClinVar ID: VCV003017380). Therefore, this variant is classified as Pathogenic according to the recommendation of ACMG/AMP guideline.

Labcorp Genetics (formerly Invitae), Labcorp
Classification: Pathogenic for Deficiency of malonyl-CoA decarboxylase. Last evaluated: 2023-10-04. Review status: criteria provided, single submitter. Criteria: Invitae Variant Classification Sherloc (09022015). Collection method: clinical testing. Allele origin: germline.
Comment: This sequence change creates a premature translational stop signal (p.Gln165*) in the MLYCD gene. It is expected to result in an absent or disrupted protein product. Loss-of-function variants in MLYCD are known to be pathogenic (PMID: 12955715, 17186413). This variant is present in population databases (no rsID available, gnomAD 0.007%). This variant has not been reported in the literature in individuals affected with MLYCD-related conditions. For these reasons, this variant has been classified as Pathogenic.

Literature cited by the submitters: PubMed 12955715 (cited by Labcorp Genetics (formerly Invitae), Labcorp); PubMed 17186413 (cited by Labcorp Genetics (formerly Invitae), Labcorp).